The following is an entry in ClinVar:

NM_000444.6(PHEX):c.2236T>C (p.Cys746Arg)

Genes: PHEX (phosphate regulating endopeptidase X-linked; plus strand), PTCHD1-AS (PTCHD1 and PHEX antisense RNA; minus strand). Cytogenetic location: Xp22.11.
Variant type: single nucleotide variant.
Coding change: c.2236T>C on transcript NM_000444.6 (MANE Select); coding-DNA position 2236, T replaced by C.
Protein change: p.Cys746Arg; replaces cysteine 746 with arginine.
Molecular consequence: missense variant. On other transcripts: 3 prime UTR variant (1).
Genome position (GRCh38, 1-based): chrX:22,247,939, T>C. VCF-style: chrX-22247939-T-C. GRCh37 (hg19) VCF-style: chrX-22266056-T-C.
Other names: c.*71T>C (NM_001282754.2); short protein forms C746R.
Identifiers: ClinVar variation 803778 (VCV000803778.4), dbSNP rs1602442819, ClinGen allele CA412575548.
Genomic context (GRCh38, chrX:22,247,939, plus strand): 5'-GAATTCCAGAAAGCTTTTAACTGTCCACCCAATTCCACGATGAACAGAGGCATGGACTCC[T>C]GCCGACTCTGGTAGCTGGGACGCTGGTTTATGGCATCCTGAGACAGTTGCACAGTGCCAG-3'
Protein context (NP_000435.3, residues 736-749): NSTMNRGMDS[Cys746Arg]RLW

ClinVar aggregate classification (germline): Likely pathogenic. Review status: criteria provided, multiple submitters, no conflicts (2 of 4 stars). 2 submissions from 2 submitters: Likely pathogenic (2). Last evaluated 2022-11-23.

Conditions:
Familial X-linked hypophosphatemic vitamin D refractory rickets (XLHRD). Also called: HYPOPHOSPHATEMIC VITAMIN D-RESISTANT RICKETS; Hypophosphatemia, vitamin D-resistant rickets; Vitamin D-resistant rickets, X-linked; X-Linked Hypophosphatemia; Hypophosphatemic Rickets, X-Linked Dominant. Identifiers: Orphanet 89936, MedGen C0733682, MONDO:0010619, OMIM 307800.

Submissions (2):

Labcorp Genetics (formerly Invitae), Labcorp
Classification: Likely pathogenic. Last evaluated: 2022-11-23. Review status: criteria provided, single submitter. Criteria: Invitae Variant Classification Sherloc (09022015). Collection method: clinical testing. Allele origin: germline.
Comment: Advanced modeling of protein sequence and biophysical properties (such as structural, functional, and spatial information, amino acid conservation, physicochemical variation, residue mobility, and thermodynamic stability) performed at Invitae indicates that this missense variant is expected to disrupt PHEX protein function. In summary, the currently available evidence indicates that the variant is pathogenic, but additional data are needed to prove that conclusively. Therefore, this variant has been classified as Likely Pathogenic. This variant disrupts the p.Cys746 amino acid residue in PHEX. Other variant(s) that disrupt this residue have been determined to be pathogenic (PMID: 23813354). This suggests that this residue is clinically significant, and that variants that disrupt this residue are likely to be disease-causing. ClinVar contains an entry for this variant (Variation ID: 803778). This missense change has been observed in individual(s) with hypophosphatemia (Invitae). This variant is not present in population databases (gnomAD no frequency). This sequence change replaces cysteine, which is neutral and slightly polar, with arginine, which is basic and polar, at codon 746 of the PHEX protein (p.Cys746Arg).

Mendelics
Classification: Likely pathogenic for Familial X-linked hypophosphatemic vitamin D refractory rickets. Last evaluated: 2019-05-28. Review status: criteria provided, single submitter. Criteria: Mendelics Assertion Criteria 2017. Collection method: clinical testing. Allele origin: unknown.

Literature cited by the submitters: PubMed 23813354 (cited by Labcorp Genetics (formerly Invitae), Labcorp).